The following is an entry in ClinVar:

ClinVar aggregate classification (germline): Pathogenic. Review status: criteria provided, multiple submitters, no conflicts (2 of 4 stars). 2 submissions from 2 submitters: Pathogenic (2). Last evaluated 2026-06-30.

Conditions:
Lamellar ichthyosis. Identifiers: Orphanet 313, MedGen C5848247, MONDO:0017778.

Allele frequency attached by ClinVar (database versions not stated): ExAC 0.00002; gnomAD 0.00001; TOPMed 0.00001; gnomAD exomes 0.00002 and 0.00001; ESP Exome Variant Server 0.00008.

Submissions (2):

Women's Health and Genetics/Laboratory Corporation of America, LabCorp
Classification: Pathogenic for Lamellar ichthyosis. Last evaluated: 2026-06-30. Review status: criteria provided, single submitter. Criteria: LabCorp Variant Classification Summary - May 2015. Collection method: clinical testing. Allele origin: germline.
Comment: Variant summary: ABCA12 c.2956C>T (p.Arg986Trp) results in a non-conservative amino acid change located in the ABC-2 type transporter, transmembrane domain of the encoded protein sequence. Algorithms developed to predict the effect of missense changes on protein structure and function all suggest that this variant is likely to be disruptive. The variant allele was found at a frequency of 1.6e-05 in 251174 control chromosomes (gnomAD). c.2956C>T has been observed in individual(s) affected with erythroderma and ichthyosis (e.g., Bochner_2017, Numata_2015, Fukuda_2012, internal data). These data indicate that the variant is likely to be associated with disease. The following publications have been ascertained in the context of this evaluation (PMID: 27769845, 25766764, 21729033). ClinVar contains an entry for this variant (Variation ID: 1455934). Based on the evidence outlined above, the variant was classified as pathogenic.

Labcorp Genetics (formerly Invitae), Labcorp
Classification: Pathogenic. Last evaluated: 2023-10-26. Review status: criteria provided, single submitter. Criteria: Invitae Variant Classification Sherloc (09022015). Collection method: clinical testing. Allele origin: germline.
Comment: This sequence change replaces arginine, which is basic and polar, with tryptophan, which is neutral and slightly polar, at codon 986 of the ABCA12 protein (p.Arg986Trp). This variant is present in population databases (rs375702318, gnomAD 0.007%). This missense change has been observed in individual(s) with ABCA12-related conditions (PMID: 21729033; Invitae). In at least one individual the data is consistent with being in trans (on the opposite chromosome) from a pathogenic variant. ClinVar contains an entry for this variant (Variation ID: 1455934). Advanced modeling of protein sequence and biophysical properties (such as structural, functional, and spatial information, amino acid conservation, physicochemical variation, residue mobility, and thermodynamic stability) performed at Invitae indicates that this missense variant is expected to disrupt ABCA12 protein function with a positive predictive value of 80%. For these reasons, this variant has been classified as Pathogenic.

Literature cited by the submitters: PubMed 25766764 (cited by Women's Health and Genetics/Laboratory Corporation of America, LabCorp); PubMed 27769845 (cited by Women's Health and Genetics/Laboratory Corporation of America, LabCorp); PubMed 21729033 (cited by Women's Health and Genetics/Laboratory Corporation of America, LabCorp and Labcorp Genetics (formerly Invitae), Labcorp).

NM_173076.3(ABCA12):c.2956C>T (p.Arg986Trp)

Gene: ABCA12 (ATP binding cassette subfamily A member 12; minus strand). Cytogenetic location: 2q35.
Variant type: single nucleotide variant.
Coding change: c.2956C>T on transcript NM_173076.3 (MANE Select); coding-DNA position 2956, C replaced by T.
Protein change: p.Arg986Trp; replaces arginine 986 with tryptophan.
Molecular consequence: missense variant. On other transcripts: non-coding transcript variant (1).
Genome position (GRCh38, 1-based): chr2:215,000,928, G>A on the plus strand (C>T on the coding strand, the complement: ABCA12 is on the minus strand). VCF-style: chr2-215000928-G-A. GRCh37 (hg19) VCF-style: chr2-215865652-G-A.
Other names: c.2002C>T, p.Arg668Trp (NM_015657.4); short protein forms R668W, R986W.
Identifiers: ClinVar variation 1455934 (VCV001455934.8), dbSNP rs375702318, ClinGen allele CA2091832.
Genomic context (GRCh38, chr2:215,000,928, plus strand): 5'-CTGGAGCCCAAATCTTGGTTCTTAGGCTTCTTGTGGTCTGTGCGGTCTTGAGACTCATCC[G>A]GATGGTATATTTTATGACAGGAGGAAGAAAGACATTTCCAGAGTCATAGCCTCTGTGCCA-3'
Protein context (NP_775099.2, residues 976-996): FLPPVIKYTI[Arg986Trp]MSLKTAQTTR